The following is an entry in ClinVar:

NM_004974.4(KCNA2):c.894_895delinsAC (p.Val299Leu)

Gene: KCNA2 (potassium voltage-gated channel subfamily A member 2; minus strand). Cytogenetic location: 1p13.3.
Variant type: Indel.
Coding change: c.894_895delinsAC on transcript NM_004974.4 (MANE Select); coding-DNA positions 894 to 895, GG replaced by AC.
Protein change: p.Val299Leu; replaces valine 299 with leucine.
Molecular consequence: missense variant. On other transcripts: splice donor variant (1).
Genome position (GRCh38, 1-based): chr1:110,603,888-110,603,889, CC replaced by GT on the plus strand (GG replaced by AC on the coding strand, the reverse complement: KCNA2 is on the minus strand). VCF-style: chr1-110603888-CC-GT. GRCh37 (hg19) VCF-style: chr1-111146510-CC-GT.
Other names: c.894_894+1delinsAC (NM_001204269.2); short protein forms V299L.
Identifiers: ClinVar variation 2858654 (VCV002858654.3), dbSNP rs2101398625, ClinGen allele CA2739275181.
Genomic context (GRCh38, chr1:110,603,888, plus strand): 5'-GACCTAGAATCTGGAGACCTTTGGAGTGTCTGGACAACTTGAAAATCCTAAAGACTCTTA[CC>GT]AACCGGATGACACGGAGGATGGCCAGTGACATGGCCTGCTGGCCTTGCTGAGCGTCCTCT-3'
Protein context (NP_004965.1, residues 289-309): SLAILRVIRL[Val299Leu]RVFRIFKLSR

ClinVar aggregate classification (germline): Uncertain significance (1 of 4 stars; one submission).

Conditions:
Developmental and epileptic encephalopathy, 32 (DEE32). Also called: Epileptic encephalopathy, early infantile, 32. Identifiers: Orphanet 442835, MedGen C4225350, MONDO:0014607, OMIM 616366.

Submission:

Labcorp Genetics (formerly Invitae), Labcorp
Classification: Uncertain significance for Developmental and epileptic encephalopathy, 32. Last evaluated: 2023-10-29. Review status: criteria provided, single submitter. Criteria: Invitae Variant Classification Sherloc (09022015). Collection method: clinical testing. Allele origin: germline.
Comment: This sequence change replaces valine, which is neutral and non-polar, with leucine, which is neutral and non-polar, at codon 299 of the KCNA2 protein (p.Val299Leu). Information on the frequency of this variant in the gnomAD database is not available, as this variant may be reported differently in the database. This variant has not been reported in the literature in individuals affected with KCNA2-related conditions. Experimental studies and prediction algorithms are not available or were not evaluated, and the functional significance of this variant is currently unknown. In summary, the available evidence is currently insufficient to determine the role of this variant in disease. Therefore, it has been classified as a Variant of Uncertain Significance.